The following is an entry in ClinVar:

NM_017514.5(PLXNA3):c.5097G>A (p.Glu1699=)

Gene: PLXNA3 (plexin A3; plus strand). Cytogenetic location: Xq28.
Variant type: single nucleotide variant.
Coding change: c.5097G>A on transcript NM_017514.5 (MANE Select); coding-DNA position 5097, G replaced by A.
Protein change: p.Glu1699=; no amino-acid change (glutamic acid 1699 retained).
Molecular consequence: synonymous variant.
Genome position (GRCh38, 1-based): chrX:154,470,552, G>A. VCF-style: chrX-154470552-G-A. GRCh37 (hg19) VCF-style: chrX-153698895-G-A.
Identifiers: ClinVar variation 3353291 (VCV003353291.1).

ClinVar aggregate classification (germline): Likely benign (0 of 4 stars; one submission).

Conditions:
PLXNA3-related disorder. Also called: PLXNA3-related condition.

gnomAD v4.1: 3 of 1,211,689 alleles (0.00025%); highest among the groups gnomAD compares: Admixed American, 0.0065%; no homozygotes.

Submission:

PreventionGenetics, part of Exact Sciences
Classification: Likely benign for PLXNA3-related condition. Last evaluated: 2022-03-23. Review status: no assertion criteria provided. Collection method: clinical testing. Allele origin: germline.
Comment: This variant is classified as likely benign based on ACMG/AMP sequence variant interpretation guidelines (Richards et al. 2015 PMID: 25741868, with internal and published modifications).